The following is an entry in ClinVar:

ClinVar aggregate classification (germline): Pathogenic (1 of 4 stars; one submission).

Conditions:
LAMA2-related muscular dystrophy (LAMA2-RD). Also called: Laminin alpha 2-related dystrophy. Identifiers: MedGen C5679788, MONDO:0100228.

Submission:

Labcorp Genetics (formerly Invitae), Labcorp
Classification: Pathogenic for LAMA2-related muscular dystrophy. Last evaluated: 2019-06-14. Review status: criteria provided, single submitter. Criteria: Invitae Variant Classification Sherloc (09022015). Collection method: clinical testing. Allele origin: germline.
Comment: For these reasons, this variant has been classified as Pathogenic. Loss-of-function variants in LAMA2 are known to be pathogenic (PMID: 18700894). This variant has not been reported in the literature in individuals with LAMA2-related conditions. This variant is not present in population databases (ExAC no frequency). This sequence change creates a premature translational stop signal (p.Thr1655Profs*3) in the LAMA2 gene. It is expected to result in an absent or disrupted protein product.

Literature cited by the submitters: PubMed 18700894.

NM_000426.4(LAMA2):c.4962del (p.Thr1655fs)

Gene: LAMA2 (laminin subunit alpha 2; plus strand). Cytogenetic location: 6q22.33.
Variant type: Deletion.
Coding change: c.4962del on transcript NM_000426.4 (MANE Select); coding-DNA position 4962, one base deleted (T; older notation c.4962delT).
Protein change: p.Thr1655fs; shifts the reading frame from threonine 1655.
Molecular consequence: frameshift variant.
Genome position (GRCh38, 1-based): chr6:129,383,124, T deleted. VCF-style (leftmost placement, unchanged base first): chr6-129383123-CT-C. GRCh37 (hg19) VCF-style: chr6-129704268-CT-C.
Other names: c.4962del, p.Thr1655fs (NM_001079823.2); short protein forms T1655fs.
Identifiers: ClinVar variation 948071 (VCV000948071.8), dbSNP rs1778789800, ClinGen allele CA1139659323.